The following is an entry in ClinVar:

ClinVar aggregate classification (germline): Likely benign. Review status: criteria provided, multiple submitters, no conflicts (2 of 4 stars). 5 submissions from 5 submitters: Likely benign (5). Last evaluated 2026-05-01.

Conditions:
Inborn genetic diseases. Identifiers: MedGen C0950123, MeSH D030342.
Brachyolmia-amelogenesis imperfecta syndrome. Also called: Tooth agenesis, selective, 6; Dental anomalies and short stature; PLATYSPONDYLY WITH AMELOGENESIS IMPERFECTA. Identifiers: Orphanet 2899, MedGen C1832594, MONDO:0011018, OMIM 601216. Disease mechanism: loss of function.

Allele frequency attached by ClinVar (database versions not stated): TOPMed 0.00077; ExAC 0.00082; gnomAD exomes 0.00084 and 0.00140; ESP Exome Variant Server 0.00085; gnomAD 0.00094 and 0.00096; 1000 Genomes Project 0.00100; 1000 Genomes Project 30x 0.00125.
gnomAD v4.1: 2,193 of 1,614,112 alleles (0.14%); highest among the groups gnomAD compares: Non-Finnish European, 0.17%; 4 homozygotes.

Submissions (5):

CeGaT Center for Human Genetics Tuebingen
Classification: Likely benign. Last evaluated: 2026-05-01. Review status: criteria provided, single submitter. Criteria: CeGaT Center For Human Genetics Tuebingen Variant Classification Criteria Version 2. Collection method: clinical testing. Allele origin: germline. Affected: yes. Observed: 5 variant alleles.
Comment: LTBP3: BP4, BP7

Labcorp Genetics (formerly Invitae), Labcorp
Classification: Likely benign for Brachyolmia-amelogenesis imperfecta syndrome. Last evaluated: 2026-02-01. Review status: criteria provided, single submitter. Criteria: Invitae Variant Classification Sherloc (09022015). Collection method: clinical testing. Allele origin: germline.

Mayo Clinic Laboratories, Mayo Clinic
Classification: Likely benign. Last evaluated: 2025-02-04. Review status: criteria provided, single submitter. Criteria: ACMG Guidelines, 2015. Collection method: clinical testing. Allele origin: germline. Observed: 1 variant allele.
Comment: BS1, BP4, BP7

Blueprint Genetics
Classification: Likely benign. Last evaluated: 2024-11-06. Review status: criteria provided, single submitter. Criteria: ACMG Guidelines, 2015. Collection method: clinical testing. Allele origin: germline.

Ambry Genetics
Classification: Likely benign for Inborn genetic diseases. Last evaluated: 2022-03-04. Review status: criteria provided, single submitter. Criteria: Ambry Variant Classification Scheme 2023. Collection method: clinical testing. Allele origin: germline.

NM_001130144.3(LTBP3):c.1314G>A (p.Ala438=)

Gene: LTBP3 (latent transforming growth factor beta binding protein 3; minus strand). Cytogenetic location: 11q13.1.
Variant type: single nucleotide variant.
Coding change: c.1314G>A on transcript NM_001130144.3 (MANE Select); coding-DNA position 1314, G replaced by A.
Protein change: p.Ala438=; no amino-acid change (alanine 438 retained).
Molecular consequence: synonymous variant.
Genome position (GRCh38, 1-based): chr11:65,552,279, C>T on the plus strand (G>A on the coding strand, the complement: LTBP3 is on the minus strand). VCF-style: chr11-65552279-C-T. GRCh37 (hg19) VCF-style: chr11-65319750-C-T.
Other names: p.Ala438=; c.963G>A, p.Ala321= (NM_001164266.1); c.1314G>A, p.Ala438= (NM_021070.4).
Identifiers: ClinVar variation 707462 (VCV000707462.38), dbSNP rs140740739, ClinGen allele CA6101012.
Genomic context (GRCh38, chr11:65,552,279, plus strand): 5'-ACCCCTATCCCCGGGTAACCCTGACTCACCGGTGCCATCTGTTGGGCAGCGCTGACACCG[C>T]GCGCCCCAGGCCTTGCCGACACTGCAGCAGCAGAGCTGGCGGGTCAGGCGGGTGGTCAGT-3'
Protein context (NP_001123616.1, residues 428-448): CCCSVGKAWG[Ala438=]RCQRCPTDGT